The following is an entry in ClinVar:

ClinVar aggregate classification (germline): Conflicting classifications of pathogenicity. Review status: criteria provided, conflicting classifications (1 of 4 stars). 6 submissions from 6 submitters: Uncertain significance (5); Benign (1). Last evaluated 2026-02-20.

Conditions:
Hereditary cancer-predisposing syndrome. Also called: Hereditary neoplastic syndrome; Neoplastic Syndromes, Hereditary; Tumor predisposition; Hereditary Cancer Syndrome. Identifiers: Orphanet 140162, MedGen C0027672, MeSH D009386, MONDO:0015356.
Neuroblastoma, susceptibility to, 3. Also called: ALK-Related Neuroblastic Tumor Susceptibility. Identifiers: Orphanet 635, MedGen C2751681, MONDO:0013083, OMIM 613014.

Allele frequency attached by ClinVar (database versions not stated): ExAC 0.00001; gnomAD 0.00002; gnomAD exomes 0.00002; TOPMed 0.00003; ESP Exome Variant Server 0.00008.
gnomAD v4.1: 39 of 1,613,990 alleles (0.0024%); highest among the groups gnomAD compares: Non-Finnish European, 0.0031%; no homozygotes.

Submissions (6):

St. Jude Molecular Pathology, St. Jude Children's Research Hospital
Classification: Uncertain significance for Neuroblastoma, susceptibility to, 3. Last evaluated: 2026-02-20. Review status: criteria provided, single submitter. Criteria: St. Jude Assertion Criteria 2020. Collection method: clinical testing. Allele origin: germline.
Comment: The ALK c.1279G>A p.(Glu427Lys) missense change has a maximum subpopulation allele frequency of 0.0029% in gnomAD v2.1.1. The in silico tool REVEL predicts a benign effect on protein function, but to our knowledge this prediction has not been confirmed by functional studies. To our knowledge, this variant has not been reported in individuals with ALK-related neuroblastic tumor susceptibility. In summary, the evidence currently available is ins ufficient to determine the clinical significance of this variant. It has therefore been classified as of uncertain significance.

Labcorp Genetics (formerly Invitae), Labcorp
Classification: Uncertain significance for Neuroblastoma, susceptibility to, 3. Last evaluated: 2025-12-17. Review status: criteria provided, single submitter. Criteria: Invitae Variant Classification Sherloc (09022015). Collection method: clinical testing. Allele origin: germline.
Comment: This sequence change replaces glutamic acid, which is acidic and polar, with lysine, which is basic and polar, at codon 427 of the ALK protein (p.Glu427Lys). This variant is present in population databases (rs371652715, gnomAD 0.003%). This variant has not been reported in the literature in individuals affected with ALK-related conditions. ClinVar contains an entry for this variant (Variation ID: 470744). An algorithm developed to predict the effect of missense changes on protein structure and function (PolyPhen-2) suggests that this variant is likely to be tolerated. In summary, the available evidence is currently insufficient to determine the role of this variant in disease. Therefore, it has been classified as a Variant of Uncertain Significance.

Ambry Genetics
Classification: Benign for Hereditary cancer-predisposing syndrome. Last evaluated: 2024-12-10. Review status: criteria provided, single submitter. Criteria: Ambry Variant Classification Scheme 2023. Collection method: clinical testing. Allele origin: germline.

Fulgent Genetics
Classification: Uncertain significance for Neuroblastoma, susceptibility to, 3. Last evaluated: 2024-06-17. Review status: criteria provided, single submitter. Criteria: ACMG Guidelines, 2015. Collection method: clinical testing. Allele origin: germline.

Baylor Genetics
Classification: Uncertain significance for Neuroblastoma, susceptibility to, 3. Last evaluated: 2024-03-27. Review status: criteria provided, single submitter. Criteria: ACMG Guidelines, 2015. Collection method: clinical testing. Allele origin: unknown.

GeneDx
Classification: Uncertain significance. Last evaluated: 2023-07-31. Review status: criteria provided, single submitter. Criteria: GeneDx Variant Classification Process June 2021. Collection method: clinical testing. Allele origin: germline. Affected: yes.
Comment: Not observed at significant frequency in large population cohorts (gnomAD); In silico analysis supports that this missense variant does not alter protein structure/function; Has not been previously published as pathogenic or benign to our knowledge

NM_004304.5(ALK):c.1279G>A (p.Glu427Lys)

Gene: ALK (ALK receptor tyrosine kinase; minus strand). Cytogenetic location: 2p23.2.
Variant type: single nucleotide variant.
Coding change: c.1279G>A on transcript NM_004304.5 (MANE Select); coding-DNA position 1279, G replaced by A.
Protein change: p.Glu427Lys; replaces glutamic acid 427 with lysine.
Molecular consequence: missense variant.
Genome position (GRCh38, 1-based): chr2:29,383,735, C>T on the plus strand (G>A on the coding strand, the complement: ALK is on the minus strand). VCF-style: chr2-29383735-C-T. GRCh37 (hg19) VCF-style: chr2-29606601-C-T.
Other names: short protein forms E427K.
Identifiers: ClinVar variation 470744 (VCV000470744.17), dbSNP rs371652715, ClinGen allele CA1594707.